The following is an entry in ClinVar:

NM_005428.4(VAV1):c.1742A>G (p.His581Arg)

Gene: VAV1 (vav guanine nucleotide exchange factor 1; plus strand). Cytogenetic location: 19p13.3.
Variant type: single nucleotide variant.
Coding change: c.1742A>G on transcript NM_005428.4 (MANE Select); coding-DNA position 1742, A replaced by G.
Protein change: p.His581Arg; replaces histidine 581 with arginine.
Molecular consequence: missense variant.
Genome position (GRCh38, 1-based): chr19:6,833,918, A>G. VCF-style: chr19-6833918-A-G. GRCh37 (hg19) VCF-style: chr19-6833929-A-G.
Other names: c.1742A>G (NM_005428.2); c.1742A>G, p.His581Arg (NM_001258206.2); c.1646A>G, p.His549Arg (NM_001258207.2); short protein forms H549R, H581R.
Identifiers: ClinVar variation 1421554 (VCV001421554.10), dbSNP rs146852359, ClinGen allele CA9132726.

ClinVar aggregate classification (germline): Uncertain significance. Review status: criteria provided, multiple submitters, no conflicts (2 of 4 stars). 2 submissions from 2 submitters: Uncertain significance (2). Last evaluated 2025-12-09.

Allele frequency attached by ClinVar (database versions not stated): gnomAD exomes 0.00002 and 0.00007; ExAC 0.00010; 1000 Genomes Project 0.00020; 1000 Genomes Project 30x 0.00031; gnomAD 0.00031 and 0.00033; TOPMed 0.00037; ESP Exome Variant Server 0.00077.
gnomAD v4.1: 82 of 1,614,082 alleles (0.0051%); highest among the groups gnomAD compares: African/African-American, 0.1%; no homozygotes.

Submissions (2):

Labcorp Genetics (formerly Invitae), Labcorp
Classification: Uncertain significance. Last evaluated: 2025-12-09. Review status: criteria provided, single submitter. Criteria: Invitae Variant Classification Sherloc (09022015). Collection method: clinical testing. Allele origin: germline.
Comment: This sequence change replaces histidine, which is basic and polar, with arginine, which is basic and polar, at codon 581 of the VAV1 protein (p.His581Arg). This variant is present in population databases (rs146852359, gnomAD 0.1%), and has an allele count higher than expected for a pathogenic variant. This variant has not been reported in the literature in individuals affected with VAV1-related conditions. ClinVar contains an entry for this variant (Variation ID: 1421554). An algorithm developed to predict the effect of missense changes on protein structure and function (PolyPhen-2) suggests that this variant is likely to be tolerated. In summary, the available evidence is currently insufficient to determine the role of this variant in disease. Therefore, it has been classified as a Variant of Uncertain Significance.

Ambry Genetics
Classification: Uncertain significance. Last evaluated: 2025-08-03. Review status: criteria provided, single submitter. Criteria: Ambry Variant Classification Scheme 2023. Collection method: clinical testing. Allele origin: germline.